The following is an entry in ClinVar:

NM_182914.3(SYNE2):c.12437A>G (p.His4146Arg)

Gene: SYNE2 (spectrin repeat containing nuclear envelope protein 2; plus strand). Cytogenetic location: 14q23.2.
Variant type: single nucleotide variant.
Coding change: c.12437A>G on transcript NM_182914.3 (MANE Select); coding-DNA position 12437, A replaced by G.
Protein change: p.His4146Arg; replaces histidine 4146 with arginine.
Molecular consequence: missense variant.
Genome position (GRCh38, 1-based): chr14:64,101,987, A>G. VCF-style: chr14-64101987-A-G. GRCh37 (hg19) VCF-style: chr14-64568705-A-G.
Other names: c.12437A>G, p.His4146Arg (NM_015180.6); short protein forms H4146R.
Identifiers: ClinVar variation 646828 (VCV000646828.12), dbSNP rs375035375, ClinGen allele CA7222148.
Genomic context (GRCh38, chr14:64,101,987, plus strand): 5'-GATAGAATGGAGATGAGAAGGCAGAGCCATCGCCTCAGTCTTGGTCTTCACTTTGGAAGC[A>G]TGACAAGGACATGGAAGAAGACAGAGCTTCCTCATCCTCTGGAACAATTGTTCAGGTAAT-3'
Protein context (NP_878918.2, residues 4136-4156): SPQSWSSLWK[His4146Arg]DKDMEEDRAS

ClinVar aggregate classification (germline): Uncertain significance. Review status: criteria provided, multiple submitters, no conflicts (2 of 4 stars). 2 submissions from 2 submitters: Uncertain significance (2). Last evaluated 2025-06-02.

Conditions:
Emery-Dreifuss muscular dystrophy 5, autosomal dominant (EDMD5). Also called: EMERY-DREIFUSS MUSCULAR DYSTROPHY 5. Identifiers: Orphanet 261, MedGen C2751805, MONDO:0013072, OMIM 612999.

Allele frequency attached by ClinVar (database versions not stated): gnomAD exomes 0.00001 and 0.00002; ExAC 0.00002; TOPMed 0.00003; ESP Exome Variant Server 0.00008; gnomAD 0.00008; 1000 Genomes Project 0.00020; 1000 Genomes Project 30x 0.00031.
gnomAD v4.1: 21 of 1,614,194 alleles (0.0013%); highest among the groups gnomAD compares: African/African-American, 0.017%; no homozygotes.

Submissions (2):

Labcorp Genetics (formerly Invitae), Labcorp
Classification: Uncertain significance for Emery-Dreifuss muscular dystrophy 5, autosomal dominant. Last evaluated: 2025-06-02. Review status: criteria provided, single submitter. Criteria: Invitae Variant Classification Sherloc (09022015). Collection method: clinical testing. Allele origin: germline.
Comment: This sequence change replaces histidine, which is basic and polar, with arginine, which is basic and polar, at codon 4146 of the SYNE2 protein (p.His4146Arg). This variant is present in population databases (rs375035375, gnomAD 0.03%). This variant has not been reported in the literature in individuals affected with SYNE2-related conditions. ClinVar contains an entry for this variant (Variation ID: 646828). An algorithm developed to predict the effect of missense changes on protein structure and function (PolyPhen-2) suggests that this variant is likely to be tolerated. In summary, the available evidence is currently insufficient to determine the role of this variant in disease. Therefore, it has been classified as a Variant of Uncertain Significance.

Athena Diagnostics
Classification: Uncertain significance. Last evaluated: 2023-03-01. Review status: criteria provided, single submitter. Criteria: Athena Diagnostics Criteria. Collection method: clinical testing. Allele origin: unknown.
Comment: Available data are insufficient to determine the clinical significance of the variant at this time. The frequency of this variant in the general population is uninformative in assessment of its pathogenicity. Computational tools predict that this variant is not damaging.